The following is an entry in ClinVar:

ClinVar aggregate classification (germline): Conflicting classifications of pathogenicity. Review status: criteria provided, conflicting classifications (1 of 4 stars). 4 submissions from 4 submitters: Uncertain significance (3); Likely benign (1). Last evaluated 2025-12-08.

Conditions:
Microcephaly-intellectual disability-sensorineural hearing loss-epilepsy-abnormal muscle tone syndrome (NEDHSB). Also called: NEURODEVELOPMENTAL DISORDER WITH HEARING LOSS, SEIZURES, AND BRAIN ABNORMALITIES. Identifiers: Orphanet 457351, MedGen C4225276, MONDO:0014698, OMIM 616577.
Inborn genetic diseases. Identifiers: MedGen C0950123, MeSH D030342.

Allele frequency attached by ClinVar (database versions not stated): ESP Exome Variant Server 0.00008; gnomAD 0.00009 and 0.00010; TOPMed 0.00009; ExAC 0.00013; gnomAD exomes 0.00015 and 0.00017.
gnomAD v4.1: 265 of 1,609,636 alleles (0.016%); highest among the groups gnomAD compares: Middle Eastern, 0.083%; no homozygotes.

Submissions (4):

Labcorp Genetics (formerly Invitae), Labcorp
Classification: Likely benign for Microcephaly-intellectual disability-sensorineural hearing loss-epilepsy-abnormal muscle tone syndrome. Last evaluated: 2025-12-08. Review status: criteria provided, single submitter. Criteria: Invitae Variant Classification Sherloc (09022015). Collection method: clinical testing. Allele origin: germline.

Ambry Genetics
Classification: Uncertain significance for Inborn genetic diseases. Last evaluated: 2025-03-08. Review status: criteria provided, single submitter. Criteria: Ambry Variant Classification Scheme 2023. Collection method: clinical testing. Allele origin: germline.

Blueprint Genetics
Classification: Uncertain significance. Last evaluated: 2024-09-04. Review status: criteria provided, single submitter. Criteria: ACMG Guidelines, 2015. Collection method: clinical testing. Allele origin: germline.

GeneDx
Classification: Uncertain significance. Last evaluated: 2022-05-23. Review status: criteria provided, single submitter. Criteria: GeneDx Variant Classification Process June 2021. Collection method: clinical testing. Allele origin: germline. Affected: yes.
Comment: In silico analysis supports that this missense variant does not alter protein structure/function; Has not been previously published as pathogenic or benign to our knowledge

NM_145207.3(AFG2A):c.2636G>A (p.Arg879His)

Gene: AFG2A (AAA ATPase AFG2A; plus strand). Cytogenetic location: 4q28.1.
Variant type: single nucleotide variant.
Coding change: c.2636G>A on transcript NM_145207.3 (MANE Select); coding-DNA position 2636, G replaced by A.
Protein change: p.Arg879His; replaces arginine 879 with histidine.
Molecular consequence: missense variant.
Genome position (GRCh38, 1-based): chr4:123,314,018, G>A. VCF-style: chr4-123314018-G-A. GRCh37 (hg19) VCF-style: chr4-124235173-G-A.
Other names: c.2633G>A, p.Arg878His (NM_001345856.2); short protein forms R878H, R879H.
Identifiers: ClinVar variation 1129444 (VCV001129444.13), dbSNP rs368041677, ClinGen allele CA3070774.